The following is an entry in ClinVar:

NM_173651.4(FSIP2):c.7840T>G (p.Ser2614Ala)

Genes: FSIP2 (fibrous sheath interacting protein 2; plus strand), FSIP2-AS1 (FSIP2 antisense RNA 1; minus strand). Cytogenetic location: 2q32.1.
Variant type: single nucleotide variant.
Coding change: c.7840T>G on transcript NM_173651.4 (MANE Select); coding-DNA position 7840, T replaced by G.
Protein change: p.Ser2614Ala; replaces serine 2614 with alanine.
Molecular consequence: missense variant.
Genome position (GRCh38, 1-based): chr2:185,794,976, T>G. VCF-style: chr2-185794976-T-G. GRCh37 (hg19) VCF-style: chr2-186659703-T-G.
Other names: short protein forms S2614A.
Identifiers: ClinVar variation 1339089 (VCV001339089.2), dbSNP rs977963766, ClinGen allele CA61750643.

ClinVar aggregate classification (germline): Uncertain significance (1 of 4 stars; one submission).

Conditions:
Spermatogenic failure 34. Identifiers: MedGen C4748403, MONDO:0029148, OMIM 618153.

Allele frequency attached by ClinVar (database versions not stated): gnomAD 0.00001; TOPMed 0.00001.
gnomAD v4.1: 4 of 1,533,552 alleles (0.00026%); highest among the groups gnomAD compares: Non-Finnish European, 0.000087%; no homozygotes.

Submission:

Neuberg Centre For Genomic Medicine, NCGM
Classification: Uncertain significance for Spermatogenic failure 34. Review status: criteria provided, single submitter. Criteria: ACMG Guidelines, 2015. Collection method: clinical testing. Allele origin: germline. Affected: yes.
Comment: The missense variant p.S2614A in FSIP2 (NM_173651.4) has not been reported previously as a pathogenic variant nor as a benign variant, to our knowledge. The p.S2614A variant is novel (not in any individuals) in gnomAD Exomes and is novel (not in any individuals) in 1000 Genomes. The p.S2614A missense variant is predicted to be tolerated by both SIFT or PolyPhen2. The nucleotide c.7840 in FSIP2 is not conserved according to a GERP++ and PhyloP analysis of 100 vertebrates. For these reasons, this variant has been classified as Uncertain Significance.